The following is an entry in ClinVar:

ClinVar aggregate classification (germline): Likely benign (1 of 4 stars; one submission).

Allele frequency attached by ClinVar (database versions not stated): 1000 Genomes Project 0.00040; gnomAD 0.00188; ExAC 0.00586; 1000 Genomes Project 30x 0.00078; TOPMed 0.00240; gnomAD exomes 0.00273; ESP Exome Variant Server 0.00278.
gnomAD v4.1: 4,046 of 1,512,578 alleles (0.27%); highest among the groups gnomAD compares: Middle Eastern, 2.1%; 14 homozygotes.

Submission:

CeGaT Center for Human Genetics Tuebingen
Classification: Likely benign. Last evaluated: 2023-04-01. Review status: criteria provided, single submitter. Criteria: CeGaT Center For Human Genetics Tuebingen Variant Classification Criteria Version 2. Collection method: clinical testing. Allele origin: germline. Affected: yes. Observed: 1 variant allele.
Comment: OTOP3: BS2

NM_178233.2(OTOP3):c.2T>C (p.Met1Thr)

Gene: OTOP3 (otopetrin 3; plus strand). Cytogenetic location: 17q25.1.
Variant type: single nucleotide variant.
Coding change: c.2T>C on transcript NM_178233.2; coding-DNA position 2, T replaced by C.
Protein change: p.Met1Thr; changes the start codon (methionine 1).
Molecular consequence: missense variant, initiator codon variant.
Genome position (GRCh38, 1-based): chr17:74,935,803, T>C. VCF-style: chr17-74935803-T-C. GRCh37 (hg19) VCF-style: chr17-72931898-T-C.
Other names: short protein forms M1T.
Identifiers: ClinVar variation 2648243 (VCV002648243.22), dbSNP rs368367098, ClinGen allele CA8754689.
Genomic context (GRCh38, chr17:74,935,803, plus strand): 5'-CCCCCGGGAGGGTAATTAACGAGGGATTAATGAGATTTCCAAAGTCAACAGAAAAATCGA[T>C]GGGCCGCGGAGCCCGAGCGGCGGCTGCGCAGTCCCGCTGGGGGAGGGCGTCGCGGGCATC-3'